The following is an entry in ClinVar:

NM_177400.3(NKX6-2):c.196del (p.Arg66fs)

Gene: NKX6-2 (NK6 homeobox 2; minus strand). Cytogenetic location: 10q26.3.
Variant type: Deletion.
Coding change: c.196del on transcript NM_177400.3 (MANE Select); coding-DNA position 196, one base deleted (C; older notation c.196delC).
Protein change: p.Arg66fs; shifts the reading frame from arginine 66.
Molecular consequence: frameshift variant.
Genome position (GRCh38, 1-based): chr10:132,785,753, G deleted on the plus strand (C on the coding strand, the reverse complement: NKX6-2 is on the minus strand); the first of 2 consecutive G bases (chr10:132,785,753-132,785,754); deleting either gives the same sequence. VCF-style (leftmost placement, unchanged base first): chr10-132785752-CG-C. GRCh37 (hg19) VCF-style: chr10-134599256-CG-C.
Other names: short protein forms R66fs.
Identifiers: ClinVar variation 503871 (VCV000503871.9), dbSNP rs1554961118, ClinGen allele CA658797553.

ClinVar aggregate classification (germline): Pathogenic/Likely pathogenic. Review status: criteria provided, multiple submitters, no conflicts (2 of 4 stars). 6 submissions from 6 submitters: Pathogenic (2); Likely pathogenic (1). 3 of the submissions do not count toward it. Last evaluated 2024-03-29.

Conditions:
Spastic ataxia 8, autosomal recessive, with hypomyelinating leukodystrophy (SPAX8). Identifiers: Orphanet 527497, MedGen C4479653, MONDO:0033043, OMIM 617560.

Submissions (6):

Genomic Medicine Center of Excellence, King Faisal Specialist Hospital and Research Centre
Classification: Pathogenic for Spastic ataxia 8, autosomal recessive, with hypomyelinating leukodystrophy. Last evaluated: 2024-03-29. Review status: criteria provided, single submitter. Criteria: ACMG Guidelines, 2015. Collection method: clinical testing. Allele origin: germline.

GeneDx
Classification: Pathogenic. Last evaluated: 2023-05-26. Review status: criteria provided, single submitter. Criteria: GeneDx Variant Classification Process June 2021. Collection method: clinical testing. Allele origin: germline. Affected: yes.
Comment: Frameshift variant predicted to result in protein truncation, as the last 212 amino acids are replaced with 121 different amino acids, and other loss-of-function variants have been reported downstream in HGMD; Not observed at significant frequency in large population cohorts (gnomAD); This variant is associated with the following publications: (PMID: 29388673, 32860008, 28940097, 31509304)

CENTOGENE GmbH and LLC - Guiding Precision Medicine
Classification: Likely pathogenic for Spastic ataxia 8, autosomal recessive, with hypomyelinating leukodystrophy. Review status: criteria provided, single submitter. Criteria: ACMG Guidelines, 2015. Collection method: clinical testing. Allele origin: germline. Affected: yes.

Yale Center for Mendelian Genomics, Yale University
Classification: Pathogenic for Spastic ataxia 8, autosomal recessive, with hypomyelinating leukodystrophy. Last evaluated: 2020-02-27. Review status: no assertion criteria provided. Collection method: literature only. Allele origin: germline. Affected: yes. Observed: 1 homozygote. Study: Yale Center for Mendelian Genomics. Not counted in ClinVar's aggregate classification.

Biochemical Molecular Genetic Laboratory, King Abdulaziz Medical City
Classification: Pathogenic for Spastic ataxia 8, autosomal recessive, with hypomyelinating leukodystrophy. Last evaluated: 2018-06-28. Review status: no assertion criteria provided. Collection method: clinical testing. Allele origin: germline. Affected: yes. Not counted in ClinVar's aggregate classification.

GeneReviews
No classification provided. Condition: Spastic ataxia 8, autosomal recessive, with hypomyelinating leukodystrophy. Review status: no classification provided. Collection method: literature only. Allele origin: germline. Not counted in ClinVar's aggregate classification.

Literature cited by the submitters: PubMed 32860008 (cited by CENTOGENE GmbH and LLC - Guiding Precision Medicine); PubMed 31509304 (cited by Yale Center for Mendelian Genomics, Yale University); NCBI Bookshelf NBK531509 (cited by GeneReviews); PubMed 30285346 (cited by GeneReviews).